The following is an entry in ClinVar:

ClinVar aggregate classification (germline): Pathogenic. Review status: criteria provided, multiple submitters, no conflicts (2 of 4 stars). 2 submissions from 2 submitters: Pathogenic (2). Last evaluated 2025-09-06.

Conditions:
Hereditary cancer-predisposing syndrome. Also called: Hereditary neoplastic syndrome; Neoplastic Syndromes, Hereditary; Tumor predisposition; Hereditary Cancer Syndrome. Identifiers: Orphanet 140162, MedGen C0027672, MeSH D009386, MONDO:0015356.
Oligodontia-cancer predisposition syndrome. Also called: TOOTH AGENESIS-COLORECTAL CANCER SYNDROME. Identifiers: Orphanet 300576, MedGen C1837750, MONDO:0012075, OMIM 608615. Disease mechanism: loss of function.

Submissions (2):

Ambry Genetics
Classification: Pathogenic for Hereditary cancer-predisposing syndrome. Last evaluated: 2025-09-06. Review status: criteria provided, single submitter. Criteria: Ambry Variant Classification Scheme 2023. Collection method: clinical testing. Allele origin: germline.
Comment: The c.2309delT pathogenic mutation, located in coding exon 9 of the AXIN2 gene, results from a deletion of one nucleotide at nucleotide position 2309, causing a translational frameshift with a predicted alternate stop codon (p.F770Sfs*12). This alteration has been observed in at least one individual with a personal and/or family history that is consistent with AXIN2-related disease (Ambry internal data). This alteration is expected to result in loss of function by premature protein truncation or nonsense-mediated mRNA decay. As such, this alteration is interpreted as a disease-causing mutation.

Labcorp Genetics (formerly Invitae), Labcorp
Classification: Pathogenic for Oligodontia-cancer predisposition syndrome. Last evaluated: 2022-09-01. Review status: criteria provided, single submitter. Criteria: Invitae Variant Classification Sherloc (09022015). Collection method: clinical testing. Allele origin: germline.
Comment: For these reasons, this variant has been classified as Pathogenic. ClinVar contains an entry for this variant (Variation ID: 533178). This variant has not been reported in the literature in individuals affected with AXIN2-related conditions. This variant is present in population databases (no rsID available, gnomAD 0.0009%). This sequence change creates a premature translational stop signal (p.Phe770Serfs*12) in the AXIN2 gene. It is expected to result in an absent or disrupted protein product. Loss-of-function variants in AXIN2 are known to be pathogenic (PMID: 15042511, 21416598).

Literature cited by the submitters: PubMed 15042511 (cited by Labcorp Genetics (formerly Invitae), Labcorp); PubMed 21416598 (cited by Labcorp Genetics (formerly Invitae), Labcorp).

NM_004655.4(AXIN2):c.2309del (p.Phe770fs)

Gene: AXIN2 (axin 2; minus strand). Cytogenetic location: 17q24.1.
Variant type: Deletion.
Coding change: c.2309del on transcript NM_004655.4 (MANE Select); coding-DNA position 2309, one base deleted (T; older notation c.2309delT).
Protein change: p.Phe770fs; shifts the reading frame from phenylalanine 770.
Molecular consequence: frameshift variant.
Genome position (GRCh38, 1-based): chr17:65,534,008, A deleted on the plus strand (T on the coding strand, the reverse complement: AXIN2 is on the minus strand); the first of 5 consecutive A bases (chr17:65,534,008-65,534,012); deleting any one gives the same sequence. VCF-style (leftmost placement, unchanged base first): chr17-65534007-GA-G. GRCh37 (hg19) VCF-style: chr17-63530125-GA-G.
Other names: c.2114del, p.Phe705fs (NM_001363813.1); c.2309del (LRG_296t1); short protein forms F770fs, F705fs.
Identifiers: ClinVar variation 533178 (VCV000533178.12), dbSNP rs1299440644, ClinGen allele CA627152157.